The following is an entry in ClinVar:

ClinVar aggregate classification (germline): Uncertain significance. Review status: criteria provided, multiple submitters, no conflicts (2 of 4 stars). 2 submissions from 2 submitters: Uncertain significance (2). Last evaluated 2024-07-26.

Conditions:
Inborn genetic diseases. Identifiers: MedGen C0950123, MeSH D030342.

Allele frequency attached by ClinVar (database versions not stated): gnomAD 0.00001; gnomAD exomes 0.00001; TOPMed 0.00001; ExAC 0.00002.
gnomAD v4.1: 8 of 1,613,392 alleles (0.0005%); highest among the groups gnomAD compares: Non-Finnish European, 0.00068%; no homozygotes.

Submissions (2):

Ambry Genetics
Classification: Uncertain significance for Inborn genetic diseases. Last evaluated: 2024-07-26. Review status: criteria provided, single submitter. Criteria: Ambry Variant Classification Scheme 2023. Collection method: clinical testing. Allele origin: germline.

Labcorp Genetics (formerly Invitae), Labcorp
Classification: Uncertain significance. Last evaluated: 2024-01-02. Review status: criteria provided, single submitter. Criteria: Invitae Variant Classification Sherloc (09022015). Collection method: clinical testing. Allele origin: germline.
Comment: This sequence change replaces alanine, which is neutral and non-polar, with threonine, which is neutral and polar, at codon 341 of the DSG1 protein (p.Ala341Thr). This variant is present in population databases (rs759269723, gnomAD 0.002%). This variant has not been reported in the literature in individuals affected with DSG1-related conditions. Advanced modeling of protein sequence and biophysical properties (such as structural, functional, and spatial information, amino acid conservation, physicochemical variation, residue mobility, and thermodynamic stability) performed at Invitae indicates that this missense variant is not expected to disrupt DSG1 protein function with a negative predictive value of 80%. In summary, the available evidence is currently insufficient to determine the role of this variant in disease. Therefore, it has been classified as a Variant of Uncertain Significance.

NM_001942.4(DSG1):c.1021G>A (p.Ala341Thr)

Gene: DSG1 (desmoglein 1; plus strand). Cytogenetic location: 18q12.1.
Variant type: single nucleotide variant.
Coding change: c.1021G>A on transcript NM_001942.4 (MANE Select); coding-DNA position 1021, G replaced by A.
Protein change: p.Ala341Thr; replaces alanine 341 with threonine.
Molecular consequence: missense variant.
Genome position (GRCh38, 1-based): chr18:31,336,369, G>A. VCF-style: chr18-31336369-G-A. GRCh37 (hg19) VCF-style: chr18-28916332-G-A.
Other names: c.1021G>A (NM_001942.2); short protein forms A341T.
Identifiers: ClinVar variation 2893466 (VCV002893466.4), dbSNP rs759269723, ClinGen allele CA8926004.